The following is an entry in ClinVar:

NM_001374828.1(ARID1B):c.6650A>G (p.Asn2217Ser)

Gene: ARID1B (AT-rich interaction domain 1B; plus strand). Cytogenetic location: 6q25.3.
Variant type: single nucleotide variant.
Coding change: c.6650A>G on transcript NM_001374828.1 (MANE Select); coding-DNA position 6650, A replaced by G.
Protein change: p.Asn2217Ser; replaces asparagine 2217 with serine.
Molecular consequence: missense variant.
Genome position (GRCh38, 1-based): chr6:157,207,422, A>G. VCF-style: chr6-157207422-A-G. GRCh37 (hg19) VCF-style: chr6-157528556-A-G.
Other names: c.6401A>G, p.Asn2134Ser (NM_001346813.1); c.4151A>G, p.Asn1384Ser (NM_001363725.2); c.6530A>G, p.Asn2177Ser (NM_001371656.1, NM_001374820.1); c.6491A>G, p.Asn2164Ser (NM_017519.3); c.6281A>G, p.Asn2094Ser (NM_020732.3); c.6068A>G, p.Asn2023Ser (NM_175863.2); short protein forms N1384S, N2023S, N2094S, N2134S, N2164S, N2177S, N2217S.
Identifiers: ClinVar variation 1803649 (VCV001803649.1), dbSNP rs2538787546, ClinGen allele CA366248752.

ClinVar aggregate classification (germline): Uncertain significance (1 of 4 stars; one submission).

Allele frequency attached by ClinVar (database versions not stated): gnomAD exomes below 0.00001.
gnomAD v4.1: 2 of 1,614,204 alleles (0.00012%); highest among the groups gnomAD compares: African/African-American, 0.0027%; no homozygotes.

Submission:

GeneDx
Classification: Uncertain significance. Last evaluated: 2022-12-07. Review status: criteria provided, single submitter. Criteria: GeneDx Variant Classification Process June 2021. Collection method: clinical testing. Allele origin: germline. Affected: yes.
Comment: Not observed at significant frequency in large population cohorts (gnomAD); In silico analysis supports that this missense variant has a deleterious effect on protein structure/function; Has not been previously published as pathogenic or benign to our knowledge